The following is an entry in ClinVar:

ClinVar aggregate classification (germline): Uncertain significance. Review status: criteria provided, multiple submitters, no conflicts (2 of 4 stars). 3 submissions from 3 submitters: Uncertain significance (3). Last evaluated 2025-08-09.

Conditions:
Inborn genetic diseases. Identifiers: MedGen C0950123, MeSH D030342.
Intellectual developmental disorder, autosomal dominant 65. Also called: MENTAL RETARDATION, AUTOSOMAL DOMINANT 65. Identifiers: MedGen C5543371, MONDO:0023657, OMIM 619320.

Allele frequency attached by ClinVar (database versions not stated): gnomAD exomes below 0.00001; TOPMed below 0.00001.
gnomAD v4.1: 8 of 1,550,156 alleles (0.00052%); highest among the groups gnomAD compares: Non-Finnish European, 0.00052%; no homozygotes.

Submissions (3):

Ambry Genetics
Classification: Uncertain significance for Inborn genetic diseases. Last evaluated: 2025-08-09. Review status: criteria provided, single submitter. Criteria: Ambry Variant Classification Scheme 2023. Collection method: clinical testing. Allele origin: germline.

Genomic Medicine Center of Excellence, King Faisal Specialist Hospital and Research Centre
Classification: Uncertain significance for Intellectual developmental disorder, autosomal dominant 65. Last evaluated: 2024-04-04. Review status: criteria provided, single submitter. Criteria: ACMG Guidelines, 2015. Collection method: clinical testing. Allele origin: germline.

Neuberg Centre For Genomic Medicine, NCGM
Classification: Uncertain significance for Intellectual developmental disorder, autosomal dominant 65. Last evaluated: 2023-07-22. Review status: criteria provided, single submitter. Criteria: ACMG Guidelines, 2015. Collection method: clinical testing. Allele origin: germline. Inheritance: Autosomal dominant inheritance. Affected: yes.
Comment: The missense variant c.3103C>Tp.Arg1035Cys in KDM4B gene has not been reported previously as a pathogenic variant nor as a benign variant, to our knowledge. The observed variant has allele frequency of 0.0006% in gnomAD exomes database. This variant has not been submitted to the ClinVar database. Multiple lines of computational evidence Polyphen - probably damaging, SIFT - damaging and MutationTaster - disease causing predict a damaging effect on protein structure and function for this variant. The amino acid change p.Arg1035Cys in KDM4B is predicted as conserved by GERP++ and PhyloP across 100 vertebrates. The amino acid Arg at position 1035 is changed to a Cys changing protein sequence and it might alter its composition and physicochemical properties. For these reasons, this variant has been classified as Uncertain Significance VUS.

NM_015015.3(KDM4B):c.3103C>T (p.Arg1035Cys)

Gene: KDM4B (lysine demethylase 4B; plus strand). Cytogenetic location: 19p13.3.
Variant type: single nucleotide variant.
Coding change: c.3103C>T on transcript NM_015015.3 (MANE Select); coding-DNA position 3103, C replaced by T.
Protein change: p.Arg1035Cys; replaces arginine 1035 with cysteine.
Molecular consequence: missense variant.
Genome position (GRCh38, 1-based): chr19:5,150,439, C>T. VCF-style: chr19-5150439-C-T. GRCh37 (hg19) VCF-style: chr19-5150450-C-T.
Other names: c.3205C>T, p.Arg1069Cys (NM_001411148.1); c.3103C>T (NM_015015.2); short protein forms R1035C, R1069C.
Identifiers: ClinVar variation 3068103 (VCV003068103.3), dbSNP rs1225512394, ClinGen allele CA403511661.
Genomic context (GRCh38, chr19:5,150,439, plus strand): 5'-CAGCTGACGGTGAAGCGTGGGGACATCTTCACCCTGGAGGAGGAGCTGCCCAAGAGGGTC[C>T]GCTCTCGGCTGGTGAGTGCGCGAGGCTGGCCTGGTGGCTCCGGGTGACTCAGGGAGCCCG-3'
Protein context (NP_055830.1, residues 1025-1045): TLEEELPKRV[Arg1035Cys]SRLSLSTGAP